The following is an entry in ClinVar:

ClinVar aggregate classification (germline): Uncertain significance. Review status: criteria provided, multiple submitters, no conflicts (2 of 4 stars). 4 submissions from 4 submitters: Uncertain significance (4). Last evaluated 2025-12-09.

Conditions:
Hereditary cancer-predisposing syndrome. Also called: Hereditary Cancer Syndrome; Tumor predisposition; Hereditary neoplastic syndrome; Neoplastic Syndromes, Hereditary. Identifiers: Orphanet 140162, MedGen C0027672, MeSH D009386, MONDO:0015356.
Lynch syndrome. Identifiers: Orphanet 144, MedGen C4552100, MONDO:0005835. Disease mechanism: loss of function.
Hereditary nonpolyposis colorectal neoplasms. Identifiers: MedGen C0009405, MeSH D003123.

Allele frequency attached by ClinVar (database versions not stated): gnomAD exomes below 0.00001.
gnomAD v4.1: 5 of 1,614,144 alleles (0.00031%); highest among the groups gnomAD compares: Non-Finnish European, 0.00042%; no homozygotes.

Submissions (4):

Labcorp Genetics (formerly Invitae), Labcorp
Classification: Uncertain significance for Hereditary nonpolyposis colorectal neoplasms. Last evaluated: 2025-12-09. Review status: criteria provided, single submitter. Criteria: Invitae Variant Classification Sherloc (09022015). Collection method: clinical testing. Allele origin: germline.
Comment: This sequence change replaces proline, which is neutral and non-polar, with serine, which is neutral and polar, at codon 104 of the MSH6 protein (p.Pro104Ser). This variant is not present in population databases (gnomAD no frequency). This variant has not been reported in the literature in individuals affected with MSH6-related conditions. ClinVar contains an entry for this variant (Variation ID: 627872). Invitae Evidence Modeling of protein sequence and biophysical properties (such as structural, functional, and spatial information, amino acid conservation, physicochemical variation, residue mobility, and thermodynamic stability) indicates that this missense variant is not expected to disrupt MSH6 protein function with a negative predictive value of 95%. In summary, the available evidence is currently insufficient to determine the role of this variant in disease. Therefore, it has been classified as a Variant of Uncertain Significance.

CeGaT Center for Human Genetics Tuebingen
Classification: Uncertain significance. Last evaluated: 2025-02-01. Review status: criteria provided, single submitter. Criteria: CeGaT Center For Human Genetics Tuebingen Variant Classification Criteria Version 2. Collection method: clinical testing. Allele origin: germline. Affected: yes. Observed: 1 variant allele.
Comment: MSH6: PM2, PP3

Color Diagnostics, LLC DBA Color Health
Classification: Uncertain significance for Hereditary cancer-predisposing syndrome. Last evaluated: 2024-03-06. Review status: criteria provided, single submitter. Criteria: ACMG Guidelines, 2015. Collection method: clinical testing. Allele origin: germline.
Comment: This missense variant replaces proline with serine at codon 104 of the MSH6 protein. Computational prediction suggests that this variant may have deleterious impact on protein structure and function (internally defined REVEL score threshold >= 0.7, PMID: 27666373). To our knowledge, functional studies have not been reported for this variant. This variant has not been reported in individuals affected with MSH6-related disorders in the literature. This variant has not been identified in the general population by the Genome Aggregation Database (gnomAD). The available evidence is insufficient to determine the role of this variant in disease conclusively. Therefore, this variant is classified as a Variant of Uncertain Significance.

All of Us Research Program, National Institutes of Health
Classification: Uncertain significance for Lynch syndrome. Last evaluated: 2023-08-15. Review status: criteria provided, single submitter. Criteria: ACMG Guidelines, 2015. Collection method: clinical testing. Allele origin: germline. Inheritance: Autosomal dominant inheritance. Observed: 1 variant allele, 1 heterozygote.
Comment: This missense variant replaces proline with serine at codon 104 of the MSH6 protein. Computational prediction suggests that this variant may have deleterious impact on protein structure and function (internally defined REVEL score threshold >= 0.7, PMID: 27666373). To our knowledge, functional studies have not been reported for this variant. This variant has not been reported in individuals affected with MSH6-related disorders in the literature. This variant has not been identified in the general population by the Genome Aggregation Database (gnomAD). The available evidence is insufficient to determine the role of this variant in disease conclusively. Therefore, this variant is classified as a Variant of Uncertain Significance.

This study involves interpretation of variants in research participants for the purpose of population health screening. Participant phenotype was not available at the time of variant classification. Additional details can be found in publication PMID: 35346344, PMCID: PMC8962531

NM_000179.3(MSH6):c.310C>T (p.Pro104Ser)

Gene: MSH6 (mutS homolog 6; plus strand). Cytogenetic location: 2p16.3.
Variant type: single nucleotide variant.
Coding change: c.310C>T on transcript NM_000179.3 (MANE Select); coding-DNA position 310, C replaced by T.
Protein change: p.Pro104Ser; replaces proline 104 with serine.
Molecular consequence: missense variant. On other transcripts: 5 prime UTR variant (2), intron variant (1).
Genome position (GRCh38, 1-based): chr2:47,790,976, C>T. VCF-style: chr2-47790976-C-T. GRCh37 (hg19) VCF-style: chr2-48018115-C-T.
Other names: c.-427C>T (NM_001281493.2); c.-593C>T (NM_001281494.2); c.237+7506C>T (NM_001281492.2); short protein forms P104S.
Identifiers: ClinVar variation 627872 (VCV000627872.24), dbSNP rs1558651940, ClinGen allele CA346736813.
Genomic context (GRCh38, chr2:47,790,976, plus strand): 5'-TTTGGCAACAGTTGTGACTTCTCACCAGGAGATTTGGTTTGGGCCAAGATGGAGGGTTAC[C>T]CCTGGTGGCCTTGTCTGGTTTACAACCACCCCTTTGATGGAACATTCATCCGCGAGAAAG-3'
Protein context (NP_000170.1, residues 94-114): DLVWAKMEGY[Pro104Ser]WWPCLVYNHP